The following is an entry in ClinVar:

ClinVar aggregate classification (germline): Uncertain significance (1 of 4 stars; one submission).

Submission:

Labcorp Genetics (formerly Invitae), Labcorp
Classification: Uncertain significance. Last evaluated: 2024-12-23. Review status: criteria provided, single submitter. Criteria: Invitae Variant Classification Sherloc (09022015). Collection method: clinical testing. Allele origin: germline.
Comment: This sequence change replaces proline, which is neutral and non-polar, with leucine, which is neutral and non-polar, at codon 46 of the ALPK3 protein (p.Pro46Leu). This variant is not present in population databases (gnomAD no frequency). This variant has not been reported in the literature in individuals affected with ALPK3-related conditions. An algorithm developed to predict the effect of missense changes on protein structure and function (PolyPhen-2) suggests that this variant is likely to be disruptive. In summary, the available evidence is currently insufficient to determine the role of this variant in disease. Therefore, it has been classified as a Variant of Uncertain Significance.

NC_000015.10:g.84816983C>T

Gene: ALPK3 (alpha kinase 3; plus strand). Cytogenetic location: 15q25.3.
Variant type: single nucleotide variant.
Genome position: GRCh38 VCF-style: chr15-84816983-C-T. GRCh37 (hg19) VCF-style: chr15-85360214-C-T.
Identifiers: ClinVar variation 3685418 (VCV003685418.2).